The following is an entry in ClinVar:

ClinVar aggregate classification (germline): Benign (0 of 4 stars; one submission).

Conditions:
BSN-related disorder. Also called: BSN-related condition.

Allele frequency attached by ClinVar (database versions not stated): 1000 Genomes Project 0.20887; 1000 Genomes Project 30x 0.21221; TOPMed 0.26152; ExAC 0.26486; gnomAD 0.28001; gnomAD exomes 0.28433; ESP Exome Variant Server 0.28799.
gnomAD v4.1: 458,104 of 1,612,844 alleles (28%); highest among the groups gnomAD compares: Middle Eastern, 30%; 69,051 homozygotes.

Submission:

PreventionGenetics, part of Exact Sciences
Classification: Benign for BSN-related condition. Last evaluated: 2019-10-18. Review status: no assertion criteria provided. Collection method: clinical testing. Allele origin: germline.
Comment: This variant is classified as benign based on ACMG/AMP sequence variant interpretation guidelines (Richards et al. 2015 PMID: 25741868, with internal and published modifications).

NM_003458.4(BSN):c.2221G>A (p.Ala741Thr)

Gene: BSN (bassoon presynaptic cytomatrix protein; plus strand). Cytogenetic location: 3p21.31.
Variant type: single nucleotide variant.
Coding change: c.2221G>A on transcript NM_003458.4 (MANE Select); coding-DNA position 2221, G replaced by A.
Protein change: p.Ala741Thr; replaces alanine 741 with threonine.
Molecular consequence: missense variant.
Genome position (GRCh38, 1-based): chr3:49,651,777, G>A. VCF-style: chr3-49651777-G-A. GRCh37 (hg19) VCF-style: chr3-49689210-G-A.
Other names: short protein forms A741T.
Identifiers: ClinVar variation 3057088 (VCV003057088.2), dbSNP rs34762726, ClinGen allele CA2399738.